The following is an entry in ClinVar:

ClinVar aggregate classification (germline): Likely benign (1 of 4 stars; one submission).

Conditions:
Malignant hyperthermia, susceptibility to, 1 (MHS1). Also called: Anesthesia related hyperthermia; Malignant hyperpyrexia; Fulminating hyperpyrexia; Pharmacogenic myopathy; Malignant hyperthermia suceptibility 1; RYR1-Related Malignant Hyperthermia Susceptibility. Identifiers: Orphanet 423, MedGen C2930980, MONDO:0007783, OMIM 145600.

gnomAD v4.1: 1 of 1,613,990 alleles (0.000062%); highest among the groups gnomAD compares: Non-Finnish European, 0.000085%; no homozygotes.

Submission:

All of Us Research Program, National Institutes of Health
Classification: Likely benign for Malignant hyperthermia, susceptibility to, 1. Last evaluated: 2024-07-10. Review status: criteria provided, single submitter. Criteria: ACMG Guidelines, 2015. Collection method: clinical testing. Allele origin: germline. Inheritance: Autosomal dominant inheritance. Observed: 1 variant allele, 1 heterozygote.
Comment: This study involves interpretation of variants in research participants for the purpose of population health screening. Participant phenotype was not available at the time of variant classification. Additional details can be found in publication PMID: 35346344, PMCID: PMC8962531

NM_000540.3(RYR1):c.12306C>T (p.Phe4102=)

Gene: RYR1 (ryanodine receptor 1; plus strand). Cytogenetic location: 19q13.2.
Variant type: single nucleotide variant.
Coding change: c.12306C>T on transcript NM_000540.3 (MANE Select); coding-DNA position 12306, C replaced by T.
Protein change: p.Phe4102=; no amino-acid change (phenylalanine 4102 retained).
Molecular consequence: synonymous variant.
Genome position (GRCh38, 1-based): chr19:38,561,136, C>T. VCF-style: chr19-38561136-C-T. GRCh37 (hg19) VCF-style: chr19-39051776-C-T.
Other names: c.12291C>T, p.Phe4097= (NM_001042723.2).
Identifiers: ClinVar variation 3385580 (VCV003385580.1).